The following is an entry in ClinVar:

ClinVar aggregate classification (germline): Pathogenic/Likely pathogenic. Review status: criteria provided, multiple submitters, no conflicts (2 of 4 stars). 3 submissions from 3 submitters: Pathogenic (2); Likely pathogenic (1). Last evaluated 2026-09-01.

Conditions:
Hypophosphataemia or rickets.
Hypophosphatasia. Also called: Phosphoethanol-aminuria. Identifiers: Orphanet 436, MedGen C0020630, MeSH D007014, MONDO:0018570.

Allele frequency attached by ClinVar (database versions not stated): gnomAD exomes below 0.00001.
gnomAD v4.1: 2 of 1,614,010 alleles (0.00012%); highest among the groups gnomAD compares: Non-Finnish European, 0.00017%; no homozygotes.

Submissions (3):

Genomenon, Inc
Classification: Pathogenic for Hypophosphatasia. Last evaluated: 2026-09-01. Review status: criteria provided, single submitter. Criteria: Genomenon Sequence Variant Interpretation Standards - Updated. Collection method: curation. Allele origin: germline. Affected: no.
Comment: ALPL p.Thr173Ile (c.518C>T) is a missense variant that changes the amino acid at codon 173 from Threonine to Isoleucine. To our knowledge, this variant has not been reported in patients affected with an ALPL-related disorder in the published literature. At least one functional study has demonstrated a substantial alteration in protein function relative to the wild-type (PMID:32160374). This variant is located in a mutational hotspot and/or important functional domain. It is absent or not present at a significant frequency in gnomAD. In silico models predict that this variant is possibly or probably damaging. In conclusion, we classify ALPL p.Thr173Ile (c.518C>T) as a pathogenic variant.

Cambridge Genomics Laboratory, East Genomic Laboratory Hub, NHS Genomic Medicine Service
Classification: Likely pathogenic for Hypophosphataemia or rickets. Last evaluated: 2025-06-10. Review status: criteria provided, single submitter. Criteria: ACGS Best Practice Guidelines for Variant Classification in Rare Disease 2020. Collection method: clinical testing. Allele origin: germline. Affected: yes.
Comment: PS3_Supporting,PM1_Supporting,PM2,PM3_Supporting,PP3,PP4

Labcorp Genetics (formerly Invitae), Labcorp
Classification: Pathogenic. Last evaluated: 2022-01-01. Review status: criteria provided, single submitter. Criteria: Invitae Variant Classification Sherloc (09022015). Collection method: clinical testing. Allele origin: germline.
Comment: This sequence change replaces threonine, which is neutral and polar, with isoleucine, which is neutral and non-polar, at codon 173 of the ALPL protein (p.Thr173Ile). For these reasons, this variant has been classified as Pathogenic. Experimental studies have shown that this missense change affects ALPL function (PMID: 32160374). Advanced modeling of protein sequence and biophysical properties (such as structural, functional, and spatial information, amino acid conservation, physicochemical variation, residue mobility, and thermodynamic stability) performed at Invitae indicates that this missense variant is expected to disrupt ALPL protein function. This missense change has been observed in individual(s) with hypophosphatasia (Invitae). In at least one individual the data is consistent with being in trans (on the opposite chromosome) from a pathogenic variant. This variant is not present in population databases (gnomAD no frequency).

Literature cited by the submitters: PubMed 32160374 (cited by Genomenon, Inc and Labcorp Genetics (formerly Invitae), Labcorp).

NM_000478.6(ALPL):c.518C>T (p.Thr173Ile)

Gene: ALPL (alkaline phosphatase, biomineralization associated; plus strand). Cytogenetic location: 1p36.12.
Variant type: single nucleotide variant.
Coding change: c.518C>T on transcript NM_000478.6 (MANE Select); coding-DNA position 518, C replaced by T.
Protein change: p.Thr173Ile; replaces threonine 173 with isoleucine.
Molecular consequence: missense variant.
Genome position (GRCh38, 1-based): chr1:21,564,086, C>T. VCF-style: chr1-21564086-C-T. GRCh37 (hg19) VCF-style: chr1-21890579-C-T.
Other names: c.353C>T, p.Thr118Ile (NM_001127501.4); c.287C>T, p.Thr96Ile (NM_001177520.3); c.518C>T, p.Thr173Ile (NM_001369803.2, NM_001369804.2, NM_001369805.2); short protein forms T173I, T118I, T96I.
Identifiers: ClinVar variation 1928080 (VCV001928080.7), dbSNP rs2545303612, ClinGen allele CA338877853.